The following is an entry in ClinVar:

NM_017613.4(DONSON):c.1592G>C (p.Cys531Ser)

Gene: DONSON (DNA replication fork stabilization factor DONSON; minus strand). Cytogenetic location: 21q22.11.
Variant type: single nucleotide variant.
Coding change: c.1592G>C on transcript NM_017613.4 (MANE Select); coding-DNA position 1592, G replaced by C.
Protein change: p.Cys531Ser; replaces cysteine 531 with serine.
Molecular consequence: missense variant.
Genome position (GRCh38, 1-based): chr21:33,578,416, C>G on the plus strand (G>C on the coding strand, the complement: DONSON is on the minus strand). VCF-style: chr21-33578416-C-G. GRCh37 (hg19) VCF-style: chr21-34950722-C-G.
Other names: short protein forms C531S.
Identifiers: ClinVar variation 1950758 (VCV001950758.5), dbSNP rs1369228533, ClinGen allele CA410129680.
Genomic context (GRCh38, chr21:33,578,416, plus strand): 5'-GATGATTTCCCAAGTAACGGTATTTGACTAAGTTGCTCCAGAGTGTTAGGGTGCAAACCA[C>G]AGTTAGTAAGCTCCTTATGAACAACCTCCTGTGGAAATGTGTGTACAAGTCAGTAAAAAG-3'
Protein context (NP_060083.1, residues 521-541): MEVVHKELTN[Cys531Ser]GLHPNTLEQL

ClinVar aggregate classification (germline): Uncertain significance (1 of 4 stars; one submission).

Allele frequency attached by ClinVar (database versions not stated): gnomAD exomes below 0.00001; TOPMed 0.00001.

Submission:

Labcorp Genetics (formerly Invitae), Labcorp
Classification: Uncertain significance. Last evaluated: 2022-07-04. Review status: criteria provided, single submitter. Criteria: Invitae Variant Classification Sherloc (09022015). Collection method: clinical testing. Allele origin: germline.
Comment: In summary, the available evidence is currently insufficient to determine the role of this variant in disease. Therefore, it has been classified as a Variant of Uncertain Significance. Algorithms developed to predict the effect of missense changes on protein structure and function are either unavailable or do not agree on the potential impact of this missense change (SIFT: "Deleterious"; PolyPhen-2: "Probably Damaging"; Align-GVGD: "Class C0"). This variant has not been reported in the literature in individuals affected with DONSON-related conditions. This variant is present in population databases (no rsID available, gnomAD 0.004%). This sequence change replaces cysteine, which is neutral and slightly polar, with serine, which is neutral and polar, at codon 531 of the DONSON protein (p.Cys531Ser).